The following is an entry in ClinVar:

ClinVar aggregate classification (germline): Likely benign (0 of 4 stars; one submission).

Conditions:
HOXD9-related disorder. Also called: HOXD9-related condition.

Allele frequency attached by ClinVar (database versions not stated): ExAC 0.00068; gnomAD 0.00113; TOPMed 0.00131; 1000 Genomes Project 0.00160; 1000 Genomes Project 30x 0.00187.

Submission:

PreventionGenetics, part of Exact Sciences
Classification: Likely benign for HOXD9-related condition. Last evaluated: 2022-08-09. Review status: no assertion criteria provided. Collection method: clinical testing. Allele origin: germline.
Comment: This variant is classified as likely benign based on ACMG/AMP sequence variant interpretation guidelines (Richards et al. 2015 PMID: 25741868, with internal and published modifications).

NM_014213.4(HOXD9):c.334C>A (p.Pro112Thr)

Gene: HOXD9 (homeobox D9; plus strand). Cytogenetic location: 2q31.1.
Variant type: single nucleotide variant.
Coding change: c.334C>A on transcript NM_014213.4 (MANE Select); coding-DNA position 334, C replaced by A.
Protein change: p.Pro112Thr; replaces proline 112 with threonine.
Molecular consequence: missense variant.
Genome position (GRCh38, 1-based): chr2:176,123,102, C>A. VCF-style: chr2-176123102-C-A. GRCh37 (hg19) VCF-style: chr2-176987830-C-A.
Other names: short protein forms P112T.
Identifiers: ClinVar variation 3039017 (VCV003039017.2), dbSNP rs566064509, ClinGen allele CA1977562.